The following is an entry in ClinVar:

NM_005263.5(GFI1):c.180G>T (p.Gln60His)

Gene: GFI1 (growth factor independent 1 transcriptional repressor; minus strand). Cytogenetic location: 1p22.1.
Variant type: single nucleotide variant.
Coding change: c.180G>T on transcript NM_005263.5 (MANE Select); coding-DNA position 180, G replaced by T.
Protein change: p.Gln60His; replaces glutamine 60 with histidine.
Molecular consequence: missense variant.
Genome position (GRCh38, 1-based): chr1:92,482,982, C>A on the plus strand (G>T on the coding strand, the complement: GFI1 is on the minus strand). VCF-style: chr1-92482982-C-A. GRCh37 (hg19) VCF-style: chr1-92948539-C-A.
Other names: c.180G>T, p.Gln60His (NM_001127216.3, NM_001127215.3); short protein forms Q60H.
Identifiers: ClinVar variation 4263210 (VCV004263210.1).

ClinVar aggregate classification (germline): Uncertain significance (1 of 4 stars; one submission).

Submission:

Ambry Genetics
Classification: Uncertain significance. Last evaluated: 2025-07-19. Review status: criteria provided, single submitter. Criteria: Ambry Variant Classification Scheme 2023. Collection method: clinical testing. Allele origin: germline.
Comment: The p.Q60H variant (also known as c.180G>T), located in coding exon 2 of the GFI1 gene, results from a G to T substitution at nucleotide position 180. The glutamine at codon 60 is replaced by histidine, an amino acid with highly similar properties. This amino acid position is conserved. In addition, this alteration is predicted to be tolerated by in silico analysis. Based on the available evidence, the clinical significance of this variant remains unclear.